The following is an entry in ClinVar:

ClinVar aggregate classification (germline): Conflicting classifications of pathogenicity. Review status: criteria provided, conflicting classifications (1 of 4 stars). 8 submissions from 8 submitters: Uncertain significance (7); Likely benign (1). Last evaluated 2026-02-03.

Conditions:
ALK-related disorder. Also called: ALK-related condition.
Hereditary cancer-predisposing syndrome. Also called: Neoplastic Syndromes, Hereditary; Tumor predisposition; Hereditary Cancer Syndrome; Hereditary neoplastic syndrome. Identifiers: Orphanet 140162, MedGen C0027672, MeSH D009386, MONDO:0015356.
Neuroblastoma, susceptibility to, 3. Also called: ALK-Related Neuroblastic Tumor Susceptibility. Identifiers: Orphanet 635, MedGen C2751681, MONDO:0013083, OMIM 613014.

Allele frequency attached by ClinVar (database versions not stated): ExAC 0.00007; gnomAD 0.00012 and 0.00013; TOPMed 0.00014; ESP Exome Variant Server 0.00015; 1000 Genomes Project 30x 0.00016; 1000 Genomes Project 0.00020.
gnomAD v4.1: 69 of 1,613,994 alleles (0.0043%); highest among the groups gnomAD compares: African/African-American, 0.029%; no homozygotes.

Submissions (8):

Labcorp Genetics (formerly Invitae), Labcorp
Classification: Uncertain significance for Neuroblastoma, susceptibility to, 3. Last evaluated: 2026-02-03. Review status: criteria provided, single submitter. Criteria: Invitae Variant Classification Sherloc (09022015). Collection method: clinical testing. Allele origin: germline.
Comment: This sequence change replaces glycine, which is neutral and non-polar, with arginine, which is basic and polar, at codon 640 of the ALK protein (p.Gly640Arg). This variant is present in population databases (rs144453491, gnomAD 0.03%). This missense change has been observed in individual(s) with ALK-related cancer (PMID: 26580448). ClinVar contains an entry for this variant (Variation ID: 404360). An algorithm developed to predict the effect of missense changes on protein structure and function (PolyPhen-2) suggests that this variant is likely to be tolerated. In summary, the available evidence is currently insufficient to determine the role of this variant in disease. Therefore, it has been classified as a Variant of Uncertain Significance.

PreventionGenetics, part of Exact Sciences
Classification: Uncertain significance for ALK-related condition. Last evaluated: 2025-03-21. Review status: criteria provided, single submitter. Criteria: ACMG Guidelines, 2015. Collection method: clinical testing. Allele origin: germline.
Comment: The ALK c.1918G>A variant is predicted to result in the amino acid substitution p.Gly640Arg. This variant has been reported in large cohort studies of individuals with leukemia, breast cancer, or glioma (Supplementary Data, Zhang et al. 2015. PubMed ID: 26580448; Supplementary Data, Maxwell et al. 2016. PubMed ID: 27153395; Bu et al. 2021. PubMed ID: 33486679); however, no additional evidence was provided to help support pathogenicity. This variant is reported in 0.032% of alleles in individuals of African descent in gnomAD and has conflicting interpretations regarding its pathogenicity in ClinVar, ranging from likely benign to uncertain. At this time, the clinical significance of this variant is uncertain due to the absence of conclusive functional and genetic evidence.

GeneDx
Classification: Uncertain significance. Last evaluated: 2024-07-23. Review status: criteria provided, single submitter. Criteria: GeneDx Variant Classification Process June 2021. Collection method: clinical testing. Allele origin: germline. Affected: yes.
Comment: In silico analysis supports that this missense variant has a deleterious effect on protein structure/function; Observed in individuals with breast, ovarian, or other cancers, as well as in a control group in a melanoma study (PMID: 26580448, 27153395, 29641532); This variant is associated with the following publications: (PMID: 33486679, 29641532, 26580448, 33057194, 35982159, 27153395)

Ambry Genetics
Classification: Likely benign for Hereditary cancer-predisposing syndrome. Last evaluated: 2024-06-25. Review status: criteria provided, single submitter. Criteria: Ambry Variant Classification Scheme 2023. Collection method: clinical testing. Allele origin: germline.

Fulgent Genetics
Classification: Uncertain significance for Neuroblastoma, susceptibility to, 3. Last evaluated: 2024-06-15. Review status: criteria provided, single submitter. Criteria: ACMG Guidelines, 2015. Collection method: clinical testing. Allele origin: germline.

Baylor Genetics
Classification: Uncertain significance for Neuroblastoma, susceptibility to, 3. Last evaluated: 2024-03-27. Review status: criteria provided, single submitter. Criteria: ACMG Guidelines, 2015. Collection method: clinical testing. Allele origin: unknown.

Revvity Omics, Revvity
Classification: Uncertain significance. Last evaluated: 2023-02-08. Review status: criteria provided, single submitter. Criteria: ACMG Guidelines, 2015. Collection method: clinical testing. Allele origin: germline.

Sema4
Classification: Uncertain significance for Hereditary cancer-predisposing syndrome. Last evaluated: 2022-01-05. Review status: criteria provided, single submitter. Criteria: Sema4 Curation Guidelines. Collection method: curation. Allele origin: germline.
Comment: The ALK c.1918G>A (p.G640R) variant has been reported in heterozygosity in 3 individuals with glioblastoma, leukemia, or breast and/or ovarian cancer (PMID: 33486679, 26580448, 27153395). It was observed in 8/24956 chromosomes of the African/African American subpopulation in the large and broad cohorts of the Genome Aggregation Database (PMID: 32461654). This variant has been reported in ClinVar (Variation ID 404360). Functional studies have not been performed, and in silico predictions of the variant's effect on protein function are inconclusive. The evidence is insufficient to meet ACMG/AMP criteria for classifying the variant as benign or pathogenic. Thus, the clinical significance of this variant is currently uncertain.

Literature cited by the submitters: PubMed 26580448 (cited by Labcorp Genetics (formerly Invitae), Labcorp and Sema4); PubMed 33486679 (cited by Sema4); PubMed 27153395 (cited by Sema4).

NM_004304.5(ALK):c.1918G>A (p.Gly640Arg)

Gene: ALK (ALK receptor tyrosine kinase; minus strand). Cytogenetic location: 2p23.2.
Variant type: single nucleotide variant.
Coding change: c.1918G>A on transcript NM_004304.5 (MANE Select); coding-DNA position 1918, G replaced by A.
Protein change: p.Gly640Arg; replaces glycine 640 with arginine.
Molecular consequence: missense variant.
Genome position (GRCh38, 1-based): chr2:29,275,222, C>T on the plus strand (G>A on the coding strand, the complement: ALK is on the minus strand). VCF-style: chr2-29275222-C-T. GRCh37 (hg19) VCF-style: chr2-29498088-C-T.
Other names: short protein forms G640R.
Identifiers: ClinVar variation 404360 (VCV000404360.19), dbSNP rs144453491, ClinGen allele CA1594482.